The following is an entry in ClinVar:

ClinVar aggregate classification (germline): Uncertain significance (1 of 4 stars; one submission).

Submission:

GeneDx
Classification: Uncertain significance. Last evaluated: 2024-09-29. Review status: criteria provided, single submitter. Criteria: GeneDx Variant Classification Process June 2021. Collection method: clinical testing. Allele origin: germline. Affected: yes.
Comment: Not observed at significant frequency in large population cohorts (gnomAD); Missense variants in this gene are a common cause of disease and they are underrepresented in the general population; In silico analysis supports that this missense variant has a deleterious effect on protein structure/function; Has not been previously published as pathogenic or benign to our knowledge

NM_006306.4(SMC1A):c.1604C>T (p.Thr535Ile)

Gene: SMC1A (structural maintenance of chromosomes 1A; minus strand). Cytogenetic location: Xp11.22.
Variant type: single nucleotide variant.
Coding change: c.1604C>T on transcript NM_006306.4 (MANE Select); coding-DNA position 1604, C replaced by T.
Protein change: p.Thr535Ile; replaces threonine 535 with isoleucine.
Molecular consequence: missense variant.
Genome position (GRCh38, 1-based): chrX:53,405,898, G>A on the plus strand (C>T on the coding strand, the complement: SMC1A is on the minus strand). VCF-style: chrX-53405898-G-A. GRCh37 (hg19) VCF-style: chrX-53432830-G-A.
Other names: c.1538C>T, p.Thr513Ile (NM_001281463.1); short protein forms T513I, T535I.
Identifiers: ClinVar variation 3774840 (VCV003774840.1).